The following is an entry in ClinVar:

ClinVar aggregate classification (germline): Uncertain significance. Review status: criteria provided, multiple submitters, no conflicts (2 of 4 stars). 2 submissions from 2 submitters: Uncertain significance (2). Last evaluated 2024-08-14.

Conditions:
Primary ciliary dyskinesia. Also called: Ciliary dyskinesia. Identifiers: Orphanet 244, MedGen C0008780, MONDO:0016575, HP:0012265.

Allele frequency attached by ClinVar (database versions not stated): ExAC 0.00001; gnomAD exomes 0.00001; gnomAD 0.00006; TOPMed 0.00006; 1000 Genomes Project 30x 0.00016; 1000 Genomes Project 0.00020.
gnomAD v4.1: 21 of 1,449,842 alleles (0.0014%); highest among the groups gnomAD compares: African/African-American, 0.029%; no homozygotes.

Submissions (2):

Ambry Genetics
Classification: Uncertain significance. Last evaluated: 2024-08-14. Review status: criteria provided, single submitter. Criteria: Ambry Variant Classification Scheme 2023. Collection method: clinical testing. Allele origin: germline.

Labcorp Genetics (formerly Invitae), Labcorp
Classification: Uncertain significance for Primary ciliary dyskinesia. Last evaluated: 2021-08-28. Review status: criteria provided, single submitter. Criteria: Invitae Variant Classification Sherloc (09022015). Collection method: clinical testing. Allele origin: germline.
Comment: This sequence change replaces arginine with serine at codon 311 of the DNAH8 protein (p.Arg311Ser). The arginine residue is moderately conserved and there is a moderate physicochemical difference between arginine and serine. This variant is present in population databases (rs200985360, ExAC 0.01%). This variant has not been reported in the literature in individuals affected with DNAH8-related conditions. Algorithms developed to predict the effect of missense changes on protein structure and function are either unavailable or do not agree on the potential impact of this missense change (SIFT: "Deleterious"; PolyPhen-2: "Not Available"; Align-GVGD: "Class C0"). In summary, the available evidence is currently insufficient to determine the role of this variant in disease. Therefore, it has been classified as a Variant of Uncertain Significance.

NM_001206927.2(DNAH8):c.933A>T (p.Arg311Ser)

Gene: DNAH8 (dynein axonemal heavy chain 8; plus strand). Cytogenetic location: 6p21.2.
Variant type: single nucleotide variant.
Coding change: c.933A>T on transcript NM_001206927.2 (MANE Select); coding-DNA position 933, A replaced by T.
Protein change: p.Arg311Ser; replaces arginine 311 with serine.
Molecular consequence: missense variant.
Genome position (GRCh38, 1-based): chr6:38,737,237, A>T. VCF-style: chr6-38737237-A-T. GRCh37 (hg19) VCF-style: chr6-38705013-A-T.
Other names: c.282A>T, p.Arg94Ser (NM_001371.4); short protein forms R311S, R94S.
Identifiers: ClinVar variation 525211 (VCV000525211.9), dbSNP rs200985360, ClinGen allele CA3788081.